The following is an entry in ClinVar:

NM_000719.7(CACNA1C):c.4213del (p.Ala1405fs)

Gene: CACNA1C (calcium voltage-gated channel subunit alpha1 C; plus strand). Cytogenetic location: 12p13.33.
Variant type: Deletion.
Coding change: c.4213del on transcript NM_000719.7 (MANE Select); coding-DNA position 4213, one base deleted (G; older notation c.4213delG).
Protein change: p.Ala1405fs; shifts the reading frame from alanine 1405.
Molecular consequence: frameshift variant.
Genome position (GRCh38, 1-based): chr12:2,655,219, G deleted; the last of 2 consecutive G bases (chr12:2,655,218-2,655,219); deleting either gives the same sequence. VCF-style (leftmost placement, unchanged base first): chr12-2655217-AG-A. GRCh37 (hg19) VCF-style: chr12-2764383-AG-A.
Other names: c.4357del, p.Ala1453fs (NM_001129827.2, NM_199460.4); c.4279del, p.Ala1427fs (NM_001129829.2); c.4213del, p.Ala1405fs (NM_001129830.3, NM_001129833.2, NM_001129834.2 and 7 more transcripts); c.4297del, p.Ala1433fs (NM_001129831.2); c.4273del, p.Ala1425fs (NM_001129832.2); c.4264del, p.Ala1422fs (NM_001129836.2); c.4180del, p.Ala1394fs (NM_001129837.2, NM_001129838.2, NM_001129846.2 and 1 more transcripts); c.4174del, p.Ala1392fs (NM_001129839.2); and 1 more; short protein forms A1392fs, A1422fs, A1425fs, A1405fs, A1433fs, A1394fs, A1427fs, A1402fs.
Identifiers: ClinVar variation 845960 (VCV000845960.8), dbSNP rs2095348902, ClinGen allele CA916081659.

ClinVar aggregate classification (germline): Uncertain significance (1 of 4 stars; one submission).

Conditions:
Long QT syndrome (LQTS). Identifiers: MedGen C0023976, MeSH D008133, MONDO:0002442. Disease mechanism: loss of function. Inheritance: Various modes of inheritance.

Submission:

Labcorp Genetics (formerly Invitae), Labcorp
Classification: Uncertain significance for Long QT syndrome. Last evaluated: 2022-11-08. Review status: criteria provided, single submitter. Criteria: Invitae Variant Classification Sherloc (09022015). Collection method: clinical testing. Allele origin: germline.
Comment: In summary, the available evidence is currently insufficient to determine the role of this variant in disease. Therefore, it has been classified as a Variant of Uncertain Significance. ClinVar contains an entry for this variant (Variation ID: 845960). This variant has not been reported in the literature in individuals affected with CACNA1C-related conditions. This variant is not present in population databases (gnomAD no frequency). This sequence change creates a premature translational stop signal (p.Ala1405Profs*62) in the CACNA1C gene. It is expected to result in an absent or disrupted protein product. However, the current clinical and genetic evidence is not sufficient to establish whether loss-of-function variants in CACNA1C cause disease.